The following is an entry in ClinVar:

NM_001039591.3(USP9X):c.4495A>G (p.Asn1499Asp)

Gene: USP9X (ubiquitin specific peptidase 9 X-linked; plus strand). Cytogenetic location: Xp11.4.
Variant type: single nucleotide variant.
Coding change: c.4495A>G on transcript NM_001039591.3 (MANE Select); coding-DNA position 4495, A replaced by G.
Protein change: p.Asn1499Asp; replaces asparagine 1499 with aspartic acid.
Molecular consequence: missense variant.
Genome position (GRCh38, 1-based): chrX:41,198,642, A>G. VCF-style: chrX-41198642-A-G. GRCh37 (hg19) VCF-style: chrX-41057895-A-G.
Other names: c.4495A>G, p.Asn1499Asp (NM_001039590.3); c.4510A>G, p.Asn1504Asp (NM_001410748.1, NM_001410749.1); short protein forms N1499D, N1504D.
Identifiers: ClinVar variation 3359825 (VCV003359825.2).

ClinVar aggregate classification (germline): Uncertain significance (1 of 4 stars; one submission).

Submission:

GeneDx
Classification: Uncertain significance. Last evaluated: 2025-05-13. Review status: criteria provided, single submitter. Criteria: GeneDx Variant Classification Process June 2021. Collection method: clinical testing. Allele origin: germline.
Comment: Not observed at significant frequency in large population cohorts (gnomAD); In silico analysis suggests that this missense variant does not alter protein structure/function; Has not been previously published as pathogenic or benign to our knowledge